The following is an entry in ClinVar:

NM_152703.5(SAMD9L):c.656A>G (p.Asn219Ser)

Gene: SAMD9L (sterile alpha motif domain containing 9 like; minus strand). Cytogenetic location: 7q21.2.
Variant type: single nucleotide variant.
Coding change: c.656A>G on transcript NM_152703.5 (MANE Select); coding-DNA position 656, A replaced by G.
Protein change: p.Asn219Ser; replaces asparagine 219 with serine.
Molecular consequence: missense variant.
Genome position (GRCh38, 1-based): chr7:93,135,316, T>C on the plus strand (A>G on the coding strand, the complement: SAMD9L is on the minus strand). VCF-style: chr7-93135316-T-C. GRCh37 (hg19) VCF-style: chr7-92764629-T-C.
Other names: c.656A>G, p.Asn219Ser (NM_001303496.3, NM_001303497.3, NM_001303498.3 and 5 more transcripts); short protein forms N219S.
Identifiers: ClinVar variation 4159262 (VCV004159262.1).

ClinVar aggregate classification (germline): Uncertain significance (1 of 4 stars; one submission).

Conditions:
Inborn genetic diseases. Identifiers: MedGen C0950123, MeSH D030342.

gnomAD v4.1: 2 of 1,614,148 alleles (0.00012%); highest among the groups gnomAD compares: Admixed American, 0.0033%; no homozygotes.

Submission:

Ambry Genetics
Classification: Uncertain significance for Inborn genetic diseases. Last evaluated: 2025-06-22. Review status: criteria provided, single submitter. Criteria: Ambry Variant Classification Scheme 2023. Collection method: clinical testing. Allele origin: germline.
Comment: The p.N219S variant (also known as c.656A>G), located in coding exon 1 of the SAMD9L gene, results from an A to G substitution at nucleotide position 656. The asparagine at codon 219 is replaced by serine, an amino acid with highly similar properties. This amino acid position is conserved. In addition, this alteration is predicted to be tolerated by in silico analysis. Based on the available evidence, the clinical significance of this variant remains unclear.